The following is an entry in ClinVar:

ClinVar aggregate classification (germline): Uncertain significance (1 of 4 stars; one submission).

Conditions:
Inborn genetic diseases. Identifiers: MedGen C0950123, MeSH D030342.

Submission:

Ambry Genetics
Classification: Uncertain significance for Inborn genetic diseases. Last evaluated: 2024-06-12. Review status: criteria provided, single submitter. Criteria: Ambry Variant Classification Scheme 2023. Collection method: clinical testing. Allele origin: germline.
Comment: The p.P134T variant (also known as c.400C>A), located in coding exon 2 of the PIK3CA gene, results from a C to A substitution at nucleotide position 400. The proline at codon 134 is replaced by threonine, an amino acid with highly similar properties. This amino acid position is conserved. In addition, this alteration is predicted to be tolerated by in silico analysis. Based on the available evidence, the clinical significance of this variant remains unclear.

NM_006218.4(PIK3CA):c.400C>A (p.Pro134Thr)

Gene: PIK3CA (phosphatidylinositol-4,5-bisphosphate 3-kinase catalytic subunit alpha; plus strand). Cytogenetic location: 3q26.32.
Variant type: single nucleotide variant.
Coding change: c.400C>A on transcript NM_006218.4 (MANE Select); coding-DNA position 400, C replaced by A.
Protein change: p.Pro134Thr; replaces proline 134 with threonine.
Molecular consequence: missense variant.
Genome position (GRCh38, 1-based): chr3:179,199,737, C>A. VCF-style: chr3-179199737-C-A. GRCh37 (hg19) VCF-style: chr3-178917525-C-A.
Other names: short protein forms P134T.
Identifiers: ClinVar variation 3306570 (VCV003306570.1).